The following is an entry in ClinVar:

NM_003560.4(PLA2G6):c.1183_1186+8del

Gene: PLA2G6 (phospholipase A2 group VI; minus strand). Cytogenetic location: 22q13.1.
Variant type: Deletion.
Coding change: c.1183_1186+8del on transcript NM_003560.4 (MANE Select); coding-DNA position 1183 through 8 bases into the intron after coding-DNA position 1186, 12 bases deleted (AGACGTATGTGC).
Molecular consequence: splice donor variant.
Genome position (GRCh38, 1-based): chr22:38,129,446-38,129,457, GCACATACGTCT deleted on the plus strand (AGACGTATGTGC on the coding strand, the reverse complement: PLA2G6 is on the minus strand); deleting any 12 consecutive bases within chr22:38,129,446-38,129,459 gives the same sequence; the c. name uses the placement nearest the transcript's 3' end. VCF-style (leftmost placement, unchanged base first): chr22-38129445-AGCACATACGTCT-A. GRCh37 (hg19) VCF-style: chr22-38525452-AGCACATACGTCT-A.
Other names: c.505_508+8del (NM_001349868.2); c.1183_1186+8del (NM_001349866.2, NM_001199562.3, NM_001349865.2 and 2 more transcripts); c.649_652+8del (NM_001349869.2, NM_001349867.2).
Identifiers: ClinVar variation 2958678 (VCV002958678.3), dbSNP rs2088072907, ClinGen allele CA2404676056.

ClinVar aggregate classification (germline): Likely pathogenic (1 of 4 stars; one submission).

Conditions:
Infantile neuroaxonal dystrophy (NBIA2A). Also called: NEURODEGENERATION WITH BRAIN IRON ACCUMULATION 2A; SEITELBERGER DISEASE; Infantile neuroaxonal dystrophy 1. Identifiers: Orphanet 35069, MedGen C0270724, MONDO:0024457, OMIM 256600.

Submission:

Labcorp Genetics (formerly Invitae), Labcorp
Classification: Likely pathogenic for Infantile neuroaxonal dystrophy. Last evaluated: 2024-01-04. Review status: criteria provided, single submitter. Criteria: Invitae Variant Classification Sherloc (09022015). Collection method: clinical testing. Allele origin: germline.
Comment: This variant results in the deletion of part of exon 8 (c.1183_1186+8del) of the PLA2G6 gene. It is expected to disrupt RNA splicing. Variants that disrupt the donor or acceptor splice site typically lead to a loss of protein function (PMID: 16199547), and loss-of-function variants in PLA2G6 are known to be pathogenic (PMID: 16783378, 18570303, 18799783, 22213678). This variant is not present in population databases (gnomAD no frequency). This variant has not been reported in the literature in individuals affected with PLA2G6-related conditions. In summary, the currently available evidence indicates that the variant is pathogenic, but additional data are needed to prove that conclusively. Therefore, this variant has been classified as Likely Pathogenic.

Literature cited by the submitters: PubMed 16199547; PubMed 16783378; PubMed 18570303; PubMed 18799783; PubMed 22213678.